The following is an entry in ClinVar:

ClinVar aggregate classification (germline): Uncertain significance (1 of 4 stars; one submission).

Conditions:
Ehlers-Danlos syndrome, classic type, 2 (EDSCL2). Also called: Ehlers-Danlos syndrome, type 2; Ehlers-Danlos syndrome type 2 (formerly); Ehlers-Danlos Syndrome, Classic Type, COL5A2-Related. Identifiers: Orphanet 287, Orphanet 90318, MedGen C0268336, MONDO:0019568, OMIM 130010.

Submission:

Centre for Mendelian Genomics, University Medical Centre Ljubljana
Classification: Uncertain significance for Ehlers-Danlos syndrome, classic type, 2. Last evaluated: 2019-03-05. Review status: criteria provided, single submitter. Criteria: ACMG Guidelines, 2015. Collection method: clinical testing. Allele origin: unknown. Affected: yes.
Comment: This variant was classified as: Uncertain significance. The available evidence on this variant's pathogenicity is insufficient or conflicting. The following ACMG criteria were applied in classifying this variant: PM2,BP4.

NM_000093.5(COL5A1):c.2646+16del

Gene: COL5A1 (collagen type V alpha 1 chain; plus strand). Cytogenetic location: 9q34.3.
Variant type: Deletion.
Coding change: c.2646+16del on transcript NM_000093.5 (MANE Select); 16 bases into the intron after coding-DNA position 2646, one base deleted (G; older notation c.2646+16delG).
Molecular consequence: intron variant.
Genome position (GRCh38, 1-based): chr9:134,786,064, G deleted. VCF-style (leftmost placement, unchanged base first): chr9-134786063-TG-T. GRCh37 (hg19) VCF-style: chr9-137677909-TG-T.
Other names: c.2646+16del (NM_001278074.1).
Identifiers: ClinVar variation 931079 (VCV000931079.3), dbSNP rs1837447151, ClinGen allele CA1139661318.
Genomic context (GRCh38, chr9:134,786,063, plus strand): 5'-CGGAGTCCCAGGGTTACCAGGGTATCCAGGAAGACAAGGACCAAAGGTAACTTCTGGCCG[TG>T]TTAGGTGTCCCGGGACAGGCGGAGGGATGTTCTGCCCGGTCTCCCCACCCTGCATCCGGC-3'